The following is an entry in ClinVar:

NC_000016.9:g.(?_89838076)_(89858965_?)del

Gene: FANCA (FA complementation group A; minus strand). Cytogenetic location: 16q24.3.
Variant type: Deletion.
Identifiers: ClinVar variation 1075214 (VCV001075214.5).

ClinVar aggregate classification (germline): Pathogenic (1 of 4 stars; one submission).

Conditions:
Fanconi anemia (FA). Also called: Fanconi's anemia. Identifiers: Orphanet 84, MedGen C0015625, MeSH D005199, MONDO:0019391.

Submission:

Labcorp Genetics (formerly Invitae), Labcorp
Classification: Pathogenic for Fanconi anemia. Last evaluated: 2020-08-01. Review status: criteria provided, single submitter. Criteria: Invitae Variant Classification Sherloc (09022015). Collection method: clinical testing. Allele origin: germline.
Comment: This variant is an out-of-frame deletion of the genomic region encompassing exon(s) 12-23 of the FANCA gene. This is expected to create a premature translational stop signal and result in an absent or disrupted protein product. This variant has not been reported in the literature in individuals with FANCA-related conditions. Loss-of-function variants in FANCA are known to be pathogenic (PMID: 19367192). For these reasons, this variant has been classified as Pathogenic.

Literature cited by the submitters: PubMed 19367192.